The following is an entry in ClinVar:

ClinVar aggregate classification (germline): Uncertain significance (1 of 4 stars; one submission).

Conditions:
ABCC8-related disorder.

Allele frequency attached by ClinVar (database versions not stated): ExAC 0.00001; TOPMed 0.00001; gnomAD 0.00002.
gnomAD v4.1: 18 of 1,614,088 alleles (0.0011%); highest among the groups gnomAD compares: Admixed American, 0.0033%; no homozygotes.

Submission:

PreventionGenetics, part of Exact Sciences
Classification: Uncertain significance for ABCC8-related condition. Last evaluated: 2023-03-21. Review status: criteria provided, single submitter. Criteria: ACMG Guidelines, 2015. Collection method: clinical testing. Allele origin: germline.
Comment: The ABCC8 c.4589G>A variant is predicted to result in the amino acid substitution p.Arg1530His. This variant was reported in an individual with a diabetes phenotype, but was classified as a variant of uncertain significance (Table S5, De Franco et al 2020. PubMed ID: 32027066). This variant is reported in 0.0080% of alleles in individuals of African descent in gnomAD. At this time, the clinical significance of this variant is uncertain due to the absence of conclusive functional and genetic evidence.

NM_000352.6(ABCC8):c.4589G>A (p.Arg1530His)

Gene: ABCC8 (ATP binding cassette subfamily C member 8; minus strand). Cytogenetic location: 11p15.1.
Variant type: single nucleotide variant.
Coding change: c.4589G>A on transcript NM_000352.6 (MANE Select); coding-DNA position 4589, G replaced by A.
Protein change: p.Arg1530His; replaces arginine 1530 with histidine.
Molecular consequence: missense variant. On other transcripts: non-coding transcript variant (1).
Genome position (GRCh38, 1-based): chr11:17,393,716, C>T on the plus strand (G>A on the coding strand, the complement: ABCC8 is on the minus strand). VCF-style: chr11-17393716-C-T. GRCh37 (hg19) VCF-style: chr11-17415263-C-T.
Other names: c.4592G>A, p.Arg1531His (NM_001287174.3); c.4655G>A, p.Arg1552His (NM_001351295.2); c.4589G>A, p.Arg1530His (NM_001351296.2); c.4586G>A, p.Arg1529His (NM_001351297.2); short protein forms R1529H, R1530H, R1531H, R1552H.
Identifiers: ClinVar variation 2628701 (VCV002628701.1), dbSNP rs747928876, ClinGen allele CA5902424.